The following is an entry in ClinVar:

NM_001368894.2(PAX6):c.-180A>G

Gene: PAX6 (paired box 6; minus strand). Cytogenetic location: 11p13.
Variant type: single nucleotide variant.
Coding change: c.-180A>G on transcript NM_001368894.2 (MANE Select); 180 bases upstream of the start codon, A replaced by G.
Molecular consequence: 5 prime UTR variant. On other transcripts: non-coding transcript variant (2).
Genome position (GRCh38, 1-based): chr11:31,810,879, T>C on the plus strand (A>G on the coding strand, the complement: PAX6 is on the minus strand). VCF-style: chr11-31810879-T-C. GRCh37 (hg19) VCF-style: chr11-31832427-T-C.
Other names: c.-180A>G (NM_000280.6, NM_001127612.3, NM_001258462.3 and 26 more transcripts); c.-457A>G (NM_001368904.2); c.-961A>G (NM_001368905.2); c.-319A>G (NM_001368909.2); c.-80A>G (NM_001368910.2); c.-39A>G (NM_001368911.2).
Identifiers: ClinVar variation 304364 (VCV000304364.7), dbSNP rs75563367, ClinGen allele CA10634631.

ClinVar aggregate classification (germline): Likely benign. Review status: criteria provided, single submitter (1 of 4 stars). 6 submissions from 1 submitter: Likely benign (6). Last evaluated 2017-04-27.

Conditions:
11p partial monosomy syndrome (WAGR). Also called: CHROMOSOME 11p13 DELETION SYNDROME; WAGR syndrome; WAGR Complex; WAGR Spectrum Disorder. Identifiers: Orphanet 893, MedGen C0206115, MONDO:0008681, OMIM 194072.
carboxymethyl-dextran-A2-gadolinium-DOTA.
Autosomal dominant keratitis. Also called: Keratitis, hereditary. Identifiers: Orphanet 2334, MedGen C1835698, MONDO:0007848, OMIM 148190.
Anophthalmia-microphthalmia syndrome. Also called: Anophthalmia/Microphthalmia; Anophthalmia - microphthalmia. Identifiers: Orphanet 98555, MedGen C5680330, MONDO:0020147.
Foveal hypoplasia 1. Also called: FOVEAL HYPOPLASIA 1 WITH OR WITHOUT ANTERIOR SEGMENT ANOMALIES AND/OR CATARACT; FOVEAL HYPOPLASIA 1 WITH ANTERIOR SEGMENT ANOMALIES. Identifiers: Orphanet 2253, MedGen C3805604, MONDO:0007628, OMIM 136520.
Aniridia 1 (AN1). Identifiers: Orphanet 250923, MedGen C0344542, MONDO:0024507, OMIM 106210.

Allele frequency attached by ClinVar (database versions not stated): gnomAD exomes 0.00105; gnomAD 0.00711 and 0.00766; 1000 Genomes Project 0.00759; TOPMed 0.00776; 1000 Genomes Project 30x 0.00828.

Submissions (6):

Illumina Laboratory Services, Illumina
Classification: Likely benign for carboxymethyl-dextran-A2-gadolinium-DOTA. Last evaluated: 2017-04-27. Review status: criteria provided, single submitter. Criteria: ICSL Variant Classification Criteria 13 December 2019. Collection method: clinical testing. Allele origin: germline.
Comment: This variant was observed as part of a predisposition screen in an ostensibly healthy population. A literature search was performed for the gene, cDNA change, and amino acid change (where applicable). No publications were found based on this search. Allele frequency data from public databases allowed determination this variant is unlikely to cause disease. Therefore, this variant is classified as likely benign.

Illumina Laboratory Services, Illumina
Classification: Likely benign for Wilms tumor, aniridia, genitourinary anomalies, and mental retardation syndrome. Last evaluated: 2017-04-27. Review status: criteria provided, single submitter. Criteria: ICSL Variant Classification Criteria 13 December 2019. Collection method: clinical testing. Allele origin: germline.
Comment: the same text as in the submission from Illumina Laboratory Services, Illumina above.

Illumina Laboratory Services, Illumina
Classification: Likely benign for Anophthalmia-microphthalmia syndrome. Last evaluated: 2017-04-27. Review status: criteria provided, single submitter. Criteria: ICSL Variant Classification Criteria 13 December 2019. Collection method: clinical testing. Allele origin: germline.
Comment: the same text as in the submission from Illumina Laboratory Services, Illumina above.

Illumina Laboratory Services, Illumina
Classification: Likely benign for Aniridia 1. Last evaluated: 2017-04-27. Review status: criteria provided, single submitter. Criteria: ICSL Variant Classification Criteria 13 December 2019. Collection method: clinical testing. Allele origin: germline.
Comment: the same text as in the submission from Illumina Laboratory Services, Illumina above.

Illumina Laboratory Services, Illumina
Classification: Likely benign for Autosomal dominant keratitis. Last evaluated: 2017-04-27. Review status: criteria provided, single submitter. Criteria: ICSL Variant Classification Criteria 13 December 2019. Collection method: clinical testing. Allele origin: germline.
Comment: the same text as in the submission from Illumina Laboratory Services, Illumina above.

Illumina Laboratory Services, Illumina
Classification: Likely benign for Foveal hypoplasia 1. Last evaluated: 2017-04-27. Review status: criteria provided, single submitter. Criteria: ICSL Variant Classification Criteria 13 December 2019. Collection method: clinical testing. Allele origin: germline.
Comment: the same text as in the submission from Illumina Laboratory Services, Illumina above.